The following is an entry in ClinVar:

NM_001009944.3(PKD1):c.11962C>T (p.Arg3988Cys)

Gene: PKD1 (polycystin 1, transient receptor potential channel interacting; minus strand). Cytogenetic location: 16p13.3.
Variant type: single nucleotide variant.
Coding change: c.11962C>T on transcript NM_001009944.3 (MANE Select); coding-DNA position 11962, C replaced by T.
Protein change: p.Arg3988Cys; replaces arginine 3988 with cysteine.
Molecular consequence: missense variant.
Genome position (GRCh38, 1-based): chr16:2,090,925, G>A on the plus strand (C>T on the coding strand, the complement: PKD1 is on the minus strand). VCF-style: chr16-2090925-G-A. GRCh37 (hg19) VCF-style: chr16-2140926-G-A.
Other names: c.11959C>T, p.Arg3987Cys (NM_000296.4); short protein forms R3987C, R3988C.
Identifiers: ClinVar variation 975070 (VCV000975070.3), dbSNP rs747425659, ClinGen allele CA394328700.

ClinVar aggregate classification (germline): Uncertain significance (1 of 4 stars; one submission).

Conditions:
Polycystic kidney disease, adult type (PKD1). Also called: Polycystic Kidney Disease 1, Autosomal Dominant; Polycystic kidney disease 1; Polycystic kidney disease 1, severe; Polycystic Kidney, Autosomal Dominant; POLYCYSTIC KIDNEY DISEASE 1 WITH OR WITHOUT POLYCYSTIC LIVER DISEASE; POLYCYSTIC KIDNEY DISEASE, ADULT, TYPE I. Identifiers: MedGen C3149841, MONDO:0008263, OMIM 173900.

gnomAD v4.1: 5 of 1,582,610 alleles (0.00032%); highest among the groups gnomAD compares: African/African-American, 0.0013%; no homozygotes.

Submission:

Victorian Clinical Genetics Services, Murdoch Childrens Research Institute
Classification: Uncertain significance for Polycystic kidney disease, adult type. Last evaluated: 2018-05-21. Review status: criteria provided, single submitter. Criteria: ACMG Guidelines, 2015. Collection method: clinical testing. Allele origin: unknown. Affected: yes.
Comment: A heterozygous missense variant, NM_001009944.2(PKD1):c.11962C>T, has been identified in exon 43 of 46 of the PKD1 gene. The variant is predicted to result in a major amino acid change from arginine to cysteine at position 3988 of the protein (NP_001009944.2(PKD1):p.(Arg3988Cys)). The arginine residue at this position has low conservation (100 vertebrates, UCSC), and is located within the PKD channel superfamily domain. In-silico predictions of pathogenicity for this variant are conflicting (Polyphen, SIFT, CADD, Mutation Taster). The variant is absent in population databases (gnomAD, dbSNP, 1000G), and has not been previously reported in clinical cases. Based on the information available at the time of curation, this variant has been classified as VARIANT of UNCERTAIN SIGNIFICANCE (VUS).